The following is an entry in ClinVar:

ClinVar aggregate classification (germline): Uncertain significance (1 of 4 stars; one submission).

Conditions:
Hereditary cancer-predisposing syndrome. Also called: Tumor predisposition; Hereditary neoplastic syndrome; Neoplastic Syndromes, Hereditary; Hereditary Cancer Syndrome. Identifiers: Orphanet 140162, MedGen C0027672, MeSH D009386, MONDO:0015356.

gnomAD v4.1: 2 of 1,614,248 alleles (0.00012%); highest among the groups gnomAD compares: Non-Finnish European, 0.000085%; no homozygotes.

Submission:

Ambry Genetics
Classification: Uncertain significance for Hereditary cancer-predisposing syndrome. Last evaluated: 2025-04-07. Review status: criteria provided, single submitter. Criteria: Ambry Variant Classification Scheme 2023. Collection method: clinical testing. Allele origin: germline.
Comment: The p.E513Q variant (also known as c.1537G>C), located in coding exon 13 of the EGFR gene, results from a G to C substitution at nucleotide position 1537. The glutamic acid at codon 513 is replaced by glutamine, an amino acid with highly similar properties. This amino acid position is not well conserved in available vertebrate species. In addition, this alteration is predicted to be tolerated by in silico analysis. Based on the available evidence, the clinical significance of this variant remains unclear.

NM_005228.5(EGFR):c.1537G>C (p.Glu513Gln)

Gene: EGFR (epidermal growth factor receptor; plus strand). Cytogenetic location: 7p11.2.
Variant type: single nucleotide variant.
Coding change: c.1537G>C on transcript NM_005228.5 (MANE Select); coding-DNA position 1537, G replaced by C.
Protein change: p.Glu513Gln; replaces glutamic acid 513 with glutamine.
Molecular consequence: missense variant.
Genome position (GRCh38, 1-based): chr7:55,161,537, G>C. VCF-style: chr7-55161537-G-C. GRCh37 (hg19) VCF-style: chr7-55229230-G-C.
Other names: c.1402G>C, p.Glu468Gln (NM_001346897.2, NM_001346899.2); c.1537G>C, p.Glu513Gln (NM_001346898.2, NM_201282.2, NM_201284.2); c.1378G>C, p.Glu460Gln (NM_001346900.2); c.736G>C, p.Glu246Gln (NM_001346941.2); short protein forms E513Q, E246Q, E460Q, E468Q.
Identifiers: ClinVar variation 4016691 (VCV004016691.1).
Genomic context (GRCh38, chr7:55,161,537, plus strand): 5'-GTGACCCACTCTGTCTCCGCAGAGGCCACAGGCCAGGTCTGCCATGCCTTGTGCTCCCCC[G>C]AGGGCTGCTGGGGCCCGGAGCCCAGGGACTGCGTCTCTTGCCGGAATGTCAGCCGAGGCA-3'
Protein context (NP_005219.2, residues 503-523): GQVCHALCSP[Glu513Gln]GCWGPEPRDC